The following is an entry in ClinVar:

ClinVar aggregate classification (germline): Uncertain significance (1 of 4 stars; one submission).

Conditions:
Cryptosporidiosis-chronic cholangitis-liver disease syndrome. Also called: IL21R immunodeficiency; Immunodeficiency type 56. Identifiers: Orphanet 357329, MedGen C3554687, MONDO:0014082, OMIM 615207.

Allele frequency attached by ClinVar (database versions not stated): gnomAD 0.00005 and 0.00006; TOPMed 0.00005; gnomAD exomes 0.00007; ExAC 0.00012.
gnomAD v4.1: 104 of 1,613,076 alleles (0.0064%); highest among the groups gnomAD compares: Non-Finnish European, 0.0087%; no homozygotes.

Submission:

Labcorp Genetics (formerly Invitae), Labcorp
Classification: Uncertain significance for Cryptosporidiosis-chronic cholangitis-liver disease syndrome. Last evaluated: 2022-10-24. Review status: criteria provided, single submitter. Criteria: Invitae Variant Classification Sherloc (09022015). Collection method: clinical testing. Allele origin: germline.
Comment: This sequence change replaces histidine, which is basic and polar, with proline, which is neutral and non-polar, at codon 43 of the IL21R protein (p.His43Pro). This variant is present in population databases (rs757749249, gnomAD 0.02%). This variant has not been reported in the literature in individuals affected with IL21R-related conditions. ClinVar contains an entry for this variant (Variation ID: 1448846). Advanced modeling of protein sequence and biophysical properties (such as structural, functional, and spatial information, amino acid conservation, physicochemical variation, residue mobility, and thermodynamic stability) performed at Invitae indicates that this missense variant is not expected to disrupt IL21R protein function. In summary, the available evidence is currently insufficient to determine the role of this variant in disease. Therefore, it has been classified as a Variant of Uncertain Significance.

NM_181078.3(IL21R):c.128A>C (p.His43Pro)

Gene: IL21R (interleukin 21 receptor; plus strand). Cytogenetic location: 16p12.1.
Variant type: single nucleotide variant.
Coding change: c.128A>C on transcript NM_181078.3 (MANE Select); coding-DNA position 128, A replaced by C.
Protein change: p.His43Pro; replaces histidine 43 with proline.
Molecular consequence: missense variant.
Genome position (GRCh38, 1-based): chr16:27,434,425, A>C. VCF-style: chr16-27434425-A-C. GRCh37 (hg19) VCF-style: chr16-27445746-A-C.
Other names: c.128A>C, p.His43Pro (NM_021798.4); c.194A>C, p.His65Pro (NM_181079.5); short protein forms H43P, H65P.
Identifiers: ClinVar variation 1448846 (VCV001448846.3), dbSNP rs757749249, ClinGen allele CA7974874.